The following is an entry in ClinVar:

ClinVar aggregate classification (germline): Conflicting classifications of pathogenicity. Review status: criteria provided, conflicting classifications (1 of 4 stars). 4 submissions from 4 submitters: Uncertain significance (2); Likely benign (2). Last evaluated 2026-01-16.

Conditions:
Cobalamin C disease. Also called: Cobalamin-C methylmalonic acidemia and homocystinuria; Methylmalonic acidemia and homocystinuria cblC type; Methylmalonic aciduria and homocystinuria, Vitamin B12-responsive; Vitamin B12 metabolic defect with combined deficiency of methylmalonyl-CoA mutase and homocysteine:methyltetrahydrofolate methyltransferase; methylmalonic aciduria and homocystinuria type cblC; Methylmalonic aciduria with homocystinuria cblC type. Identifiers: Orphanet 26, Orphanet 79282, MedGen C1848561, MONDO:0010184, OMIM 277400.

Allele frequency attached by ClinVar (database versions not stated): gnomAD exomes 0.00006 and 0.00011; ExAC 0.00011; gnomAD 0.00017 and 0.00019; TOPMed 0.00020; ESP Exome Variant Server 0.00032.
gnomAD v4.1: 116 of 1,613,952 alleles (0.0072%); highest among the groups gnomAD compares: African/African-American, 0.04%; no homozygotes.

Submissions (4):

Labcorp Genetics (formerly Invitae), Labcorp
Classification: Likely benign for Cobalamin C disease. Last evaluated: 2026-01-16. Review status: criteria provided, single submitter. Criteria: Invitae Variant Classification Sherloc (09022015). Collection method: clinical testing. Allele origin: germline.

Mayo Clinic Laboratories, Mayo Clinic
Classification: Uncertain significance. Last evaluated: 2024-09-20. Review status: criteria provided, single submitter. Criteria: ACMG Guidelines, 2015. Collection method: clinical testing. Allele origin: germline. Observed: 2 variant alleles.

Fulgent Genetics
Classification: Likely benign for Cobalamin C disease. Last evaluated: 2024-01-24. Review status: criteria provided, single submitter. Criteria: ACMG Guidelines, 2015. Collection method: clinical testing. Allele origin: germline.

GeneDx
Classification: Uncertain significance. Last evaluated: 2022-12-29. Review status: criteria provided, single submitter. Criteria: GeneDx Variant Classification Process June 2021. Collection method: clinical testing. Allele origin: germline. Affected: yes.
Comment: In silico analysis supports that this missense variant does not alter protein structure/function; Has not been previously published as pathogenic or benign to our knowledge

Literature cited by the submitters: PubMed 37466676 (cited by Mayo Clinic Laboratories, Mayo Clinic).

NM_015506.3(MMACHC):c.8C>G (p.Pro3Arg)

Gene: MMACHC (metabolism of cobalamin associated C; plus strand). Cytogenetic location: 1p34.1.
Variant type: single nucleotide variant.
Coding change: c.8C>G on transcript NM_015506.3 (MANE Select); coding-DNA position 8, C replaced by G.
Protein change: p.Pro3Arg; replaces proline 3 with arginine.
Molecular consequence: missense variant. On other transcripts: 5 prime UTR variant (1).
Genome position (GRCh38, 1-based): chr1:45,500,340, C>G. VCF-style: chr1-45500340-C-G. GRCh37 (hg19) VCF-style: chr1-45966012-C-G.
Other names: p.Pro3Arg; c.-215C>G (NM_001330540.2); short protein forms P3R.
Identifiers: ClinVar variation 1545615 (VCV001545615.11), dbSNP rs201807738, ClinGen allele CA827595.